The following is an entry in ClinVar:

NM_201384.3(PLEC):c.6523G>A (p.Glu2175Lys)

Gene: PLEC (plectin; minus strand). Cytogenetic location: 8q24.3.
Variant type: single nucleotide variant.
Coding change: c.6523G>A on transcript NM_201384.3 (MANE Select); coding-DNA position 6523, G replaced by A.
Protein change: p.Glu2175Lys; replaces glutamic acid 2175 with lysine.
Molecular consequence: missense variant.
Genome position (GRCh38, 1-based): chr8:143,923,406, C>T on the plus strand (G>A on the coding strand, the complement: PLEC is on the minus strand). VCF-style: chr8-143923406-C-T. GRCh37 (hg19) VCF-style: chr8-144997574-C-T.
Other names: c.6604G>A, p.Glu2202Lys (NM_000445.5); c.6481G>A, p.Glu2161Lys (NM_201378.4); c.6457G>A, p.Glu2153Lys (NM_201379.3); c.6934G>A, p.Glu2312Lys (NM_201380.4); c.6427G>A, p.Glu2143Lys (NM_201381.3); c.6523G>A, p.Glu2175Lys (NM_201382.4); c.6535G>A, p.Glu2179Lys (NM_201383.3); short protein forms E2143K, E2153K, E2161K, E2175K, E2179K, E2202K, E2312K.
Identifiers: ClinVar variation 497820 (VCV000497820.37), dbSNP rs375723079, ClinGen allele CA4925953.

ClinVar aggregate classification (germline): Uncertain significance. Review status: criteria provided, multiple submitters, no conflicts (2 of 4 stars). 4 submissions from 4 submitters: Uncertain significance (4). Last evaluated 2026-06-01.

Conditions:
Epidermolysis bullosa simplex 5C, with pyloric atresia (EBS5C). Also called: PLEC-Related Epidermolysis Bullosa with Pyloric Atresia; Epidermolysis bullosa simplex with pyloric atresia; PLEC1-Related Epidermolysis Bullosa with Pyloric Atresia. Identifiers: Orphanet 158684, MedGen C2677349, MONDO:0012807, OMIM 612138.
Epidermolysis bullosa simplex 5B, with muscular dystrophy (EBS5B). Also called: EPIDERMOLYSIS BULLOSA SIMPLEX AND LIMB-GIRDLE MUSCULAR DYSTROPHY; Epidermolysis bullosa simplex with muscular dystrophy. Identifiers: Orphanet 257, MedGen C2931072, MONDO:0009181, OMIM 226670.
Autosomal recessive limb-girdle muscular dystrophy type 2Q (LGMDR17). Also called: MUSCULAR DYSTROPHY, LIMB-GIRDLE, AUTOSOMAL RECESSIVE 17. Identifiers: Orphanet 254361, MedGen C3150989, MONDO:0013390, OMIM 613723.
Epidermolysis bullosa simplex with nail dystrophy (EBS5D). Identifiers: MedGen C4225309, MONDO:0014661, OMIM 616487.
Epidermolysis bullosa simplex, Ogna type (EBS5A). Also called: Pidermolysis bullosa simplex 5A, Ogna type; EPIDERMOLYSIS BULLOSA SIMPLEX 5A, OGNA TYPE. Identifiers: Orphanet 79401, MedGen C0432317, MONDO:0007555, OMIM 131950.

Allele frequency attached by ClinVar (database versions not stated): TOPMed 0.00008; gnomAD 0.00009 and 0.00010; gnomAD exomes 0.00010; ExAC 0.00008; ESP Exome Variant Server 0.00008.
gnomAD v4.1: 243 of 1,610,558 alleles (0.015%); highest among the groups gnomAD compares: Non-Finnish European, 0.018%; no homozygotes.

Submissions (4):

CeGaT Center for Human Genetics Tuebingen
Classification: Uncertain significance. Last evaluated: 2026-06-01. Review status: criteria provided, single submitter. Criteria: CeGaT Center For Human Genetics Tuebingen Variant Classification Criteria Version 2. Collection method: clinical testing. Allele origin: germline. Affected: yes. Observed: 2 variant alleles.
Comment: PLEC: PM2

Labcorp Genetics (formerly Invitae), Labcorp
Classification: Uncertain significance for Autosomal recessive limb-girdle muscular dystrophy type 2Q; Epidermolysis bullosa simplex, Ogna type; Epidermolysis bullosa simplex with nail dystrophy; Epidermolysis bullosa simplex 5C, with pyloric atresia; Epidermolysis bullosa simplex 5B, with muscular dystrophy. Last evaluated: 2025-08-07. Review status: criteria provided, single submitter. Criteria: Invitae Variant Classification Sherloc (09022015). Collection method: clinical testing. Allele origin: germline.
Comment: This sequence change replaces glutamic acid, which is acidic and polar, with lysine, which is basic and polar, at codon 2202 of the PLEC protein (p.Glu2202Lys). This variant is present in population databases (rs375723079, gnomAD 0.02%). This variant has not been reported in the literature in individuals affected with PLEC-related conditions. ClinVar contains an entry for this variant (Variation ID: 497820). An algorithm developed to predict the effect of missense changes on protein structure and function (PolyPhen-2) suggests that this variant is likely to be disruptive. In summary, the available evidence is currently insufficient to determine the role of this variant in disease. Therefore, it has been classified as a Variant of Uncertain Significance.

Revvity Omics, Revvity
Classification: Uncertain significance. Last evaluated: 2024-07-03. Review status: criteria provided, single submitter. Criteria: ACMG Guidelines, 2015. Collection method: clinical testing. Allele origin: germline.

Eurofins Ntd Llc (ga)
Classification: Uncertain significance. Last evaluated: 2016-10-19. Review status: criteria provided, single submitter. Criteria: EGL Classification Definitions 2015. Collection method: clinical testing. Allele origin: germline. Observed: 3 variant alleles, 3 heterozygotes.